The following is an entry in ClinVar:

ClinVar aggregate classification (germline): Uncertain significance. Review status: criteria provided, multiple submitters, no conflicts (2 of 4 stars). 2 submissions from 2 submitters: Uncertain significance (2). Last evaluated 2024-11-11.

Conditions:
Developmental and epileptic encephalopathy, 34 (DEE34). Also called: Early infantile epileptic encephalopathy 34; SLC12A5-Related Epilepsy of Infancy with Migrating Focal Seizures. Identifiers: Orphanet 293181, MedGen C4225257, MONDO:0014718, OMIM 616645.

Allele frequency attached by ClinVar (database versions not stated): gnomAD exomes 0.00002 and 0.00004; ExAC 0.00004; gnomAD 0.00014 and 0.00016; TOPMed 0.00023; ESP Exome Variant Server 0.00031.
gnomAD v4.1: 52 of 1,613,858 alleles (0.0032%); highest among the groups gnomAD compares: African/African-American, 0.061%; no homozygotes.

Submissions (2):

Labcorp Genetics (formerly Invitae), Labcorp
Classification: Uncertain significance for Developmental and epileptic encephalopathy, 34. Last evaluated: 2024-11-11. Review status: criteria provided, single submitter. Criteria: Invitae Variant Classification Sherloc (09022015). Collection method: clinical testing. Allele origin: germline.
Comment: This sequence change falls in intron 1 of the SLC12A5 gene. It does not directly change the encoded amino acid sequence of the SLC12A5 protein. It affects a nucleotide within the consensus splice site. This variant is present in population databases (rs367992610, gnomAD 0.04%). This variant has not been reported in the literature in individuals affected with SLC12A5-related conditions. ClinVar contains an entry for this variant (Variation ID: 663973). Variants that disrupt the consensus splice site are a relatively common cause of aberrant splicing (PMID: 17576681, 9536098). Algorithms developed to predict the effect of sequence changes on RNA splicing suggest that this variant is not likely to affect RNA splicing. In summary, the available evidence is currently insufficient to determine the role of this variant in disease. Therefore, it has been classified as a Variant of Uncertain Significance.

Ambry Genetics
Classification: Uncertain significance. Last evaluated: 2021-07-14. Review status: criteria provided, single submitter. Criteria: Ambry Variant Classification Scheme 2023. Collection method: clinical testing. Allele origin: germline.
Comment: Unlikely to be causative of SLC12A5-related epilepsy (AD) Based on insufficient or conflicting evidence, the clinical significance of this alteration remains unclear.

Literature cited by the submitters: PubMed 17576681 (cited by Labcorp Genetics (formerly Invitae), Labcorp); PubMed 9536098 (cited by Labcorp Genetics (formerly Invitae), Labcorp).

NM_020708.5(SLC12A5):c.53-3C>T

Gene: SLC12A5 (solute carrier family 12 member 5; plus strand). Cytogenetic location: 20q13.12.
Variant type: single nucleotide variant.
Coding change: c.53-3C>T on transcript NM_020708.5 (MANE Select); 3 bases into the intron before coding-DNA position 53, C replaced by T.
Molecular consequence: intron variant.
Genome position (GRCh38, 1-based): chr20:46,034,945, C>T. VCF-style: chr20-46034945-C-T. GRCh37 (hg19) VCF-style: chr20-44663584-C-T.
Other names: c.122-3C>T (NM_001134771.2, NM_001134771.1).
Identifiers: ClinVar variation 663973 (VCV000663973.8), dbSNP rs367992610, ClinGen allele CA9886949.